The following is an entry in ClinVar:

ClinVar aggregate classification (germline): Uncertain significance (1 of 4 stars; one submission).

Submission:

Labcorp Genetics (formerly Invitae), Labcorp
Classification: Uncertain significance. Last evaluated: 2024-09-06. Review status: criteria provided, single submitter. Criteria: Invitae Variant Classification Sherloc (09022015). Collection method: clinical testing. Allele origin: germline.
Comment: This variant, c.73_96del, results in the deletion of 8 amino acid(s) of the HAND2 protein (p.Ala25_Ala32del), but otherwise preserves the integrity of the reading frame. The frequency data for this variant in the population databases is considered unreliable, as metrics indicate poor data quality at this position in the gnomAD database. This variant has not been reported in the literature in individuals affected with HAND2-related conditions. ClinVar contains an entry for this variant (Variation ID: 2046134). Experimental studies and prediction algorithms are not available or were not evaluated, and the functional significance of this variant is currently unknown. In summary, the available evidence is currently insufficient to determine the role of this variant in disease. Therefore, it has been classified as a Variant of Uncertain Significance.

NM_021973.3(HAND2):c.73_96del (p.Ala25_Ala32del)

Genes: HAND2 (heart and neural crest derivatives expressed 2; minus strand), HAND2-AS1 (HAND2 antisense RNA 1; plus strand). Cytogenetic location: 4q34.1.
Variant type: Deletion.
Coding change: c.73_96del on transcript NM_021973.3 (MANE Select); coding-DNA positions 73 to 96, 24 bases deleted (GCCGCAGCTGCCGCCGCCGCCGCC).
Protein change: p.Ala25_Ala32del.
Molecular consequence: inframe deletion.
Genome position (GRCh38, 1-based): chr4:173,529,194-173,529,217, GGCGGCGGCGGCGGCAGCTGCGGC deleted on the plus strand (GCCGCAGCTGCCGCCGCCGCCGCC on the coding strand, the reverse complement: HAND2 is on the minus strand); deleting any 24 consecutive bases within chr4:173,529,194-173,529,229 gives the same sequence; the c. name uses the placement nearest the transcript's 3' end. VCF-style (leftmost placement, unchanged base first): chr4-173529193-TGGCGGCGGCGGCGGCAGCTGCGGC-T. GRCh37 (hg19) VCF-style: chr4-174450344-TGGCGGCGGCGGCGGCAGCTGCGGC-T.
Identifiers: ClinVar variation 2046134 (VCV002046134.4), dbSNP rs753612276, ClinGen allele CA3141365.